The following is an entry in ClinVar:

NM_199420.4(POLQ):c.3191G>T (p.Arg1064Ile)

Gene: POLQ (DNA polymerase theta; minus strand). Cytogenetic location: 3q13.33.
Variant type: single nucleotide variant.
Coding change: c.3191G>T on transcript NM_199420.4 (MANE Select); coding-DNA position 3191, G replaced by T.
Protein change: p.Arg1064Ile; replaces arginine 1064 with isoleucine.
Molecular consequence: missense variant.
Genome position (GRCh38, 1-based): chr3:121,489,740, C>A on the plus strand (G>T on the coding strand, the complement: POLQ is on the minus strand). VCF-style: chr3-121489740-C-A. GRCh37 (hg19) VCF-style: chr3-121208587-C-A.
Other names: short protein forms R1064I.
Identifiers: ClinVar variation 3308696 (VCV003308696.1).
Genomic context (GRCh38, chr3:121,489,740, plus strand): 5'-AAGGTAAACGGGTCTTCACAAAGACTAGGATTAGACAGAGTCTGTCCTTGTAAATGGATT[C>A]TACACGCTCCAGAGTCTTTCAGGGGGCTGCTGTCCCTAGATCGCTTTAGATGCTTTCTAC-3'
Protein context (NP_955452.3, residues 1054-1074): SSPLKDSGAC[Arg1064Ile]IHLQGQTLSN

ClinVar aggregate classification (germline): Uncertain significance (1 of 4 stars; one submission).

Submission:

Ambry Genetics
Classification: Uncertain significance. Last evaluated: 2024-05-25. Review status: criteria provided, single submitter. Criteria: Ambry Variant Classification Scheme 2023. Collection method: clinical testing. Allele origin: germline.
Comment: The p.R1064I variant (also known as c.3191G>T), located in coding exon 16 of the POLQ gene, results from a G to T substitution at nucleotide position 3191. The arginine at codon 1064 is replaced by isoleucine, an amino acid with similar properties. This amino acid position is conserved. In addition, this alteration is predicted to be tolerated by in silico analysis. Based on the available evidence, the clinical significance of this variant remains unclear.